The following is an entry in ClinVar:

ClinVar aggregate classification (germline): Uncertain significance (1 of 4 stars; one submission).

Conditions:
Familial temporal lobe epilepsy 7. Identifiers: Orphanet 101046, MedGen C4225327, MONDO:0014639, OMIM 616436.
Norman-Roberts syndrome (LIS2). Also called: Lissencephaly 2 (Norman-Roberts type). Identifiers: Orphanet 89844, MedGen C0796089, MONDO:0009760, OMIM 257320.

Submission:

Labcorp Genetics (formerly Invitae), Labcorp
Classification: Uncertain significance for Familial temporal lobe epilepsy 7; Norman-Roberts syndrome. Last evaluated: 2023-03-12. Review status: criteria provided, single submitter. Criteria: Invitae Variant Classification Sherloc (09022015). Collection method: clinical testing. Allele origin: germline.
Comment: This variant has not been reported in the literature in individuals affected with RELN-related conditions. This variant is not present in population databases (gnomAD no frequency). This sequence change falls in intron 61 of the RELN gene. It does not directly change the encoded amino acid sequence of the RELN protein. It affects a nucleotide within the consensus splice site. In summary, the available evidence is currently insufficient to determine the role of this variant in disease. Therefore, it has been classified as a Variant of Uncertain Significance. Variants that disrupt the consensus splice site are a relatively common cause of aberrant splicing (PMID: 17576681, 9536098). Algorithms developed to predict the effect of sequence changes on RNA splicing suggest that this variant is not likely to affect RNA splicing. ClinVar contains an entry for this variant (Variation ID: 1975840).

Literature cited by the submitters: PubMed 17576681; PubMed 9536098.

NM_005045.4(RELN):c.9983+5C>T

Genes: RELN (reelin; minus strand), SLC26A5-AS1 (SLC26A5 antisense RNA 1; plus strand). Cytogenetic location: 7q22.1.
Variant type: single nucleotide variant.
Coding change: c.9983+5C>T on transcript NM_005045.4 (MANE Select); 5 bases into the intron after coding-DNA position 9983, C replaced by T.
Molecular consequence: intron variant.
Genome position (GRCh38, 1-based): chr7:103,486,192, G>A on the plus strand (C>T on the coding strand, the complement: RELN is on the minus strand). VCF-style: chr7-103486192-G-A. GRCh37 (hg19) VCF-style: chr7-103126639-G-A.
Other names: c.9983+5C>T (NM_173054.3).
Identifiers: ClinVar variation 1975840 (VCV001975840.5), dbSNP rs1210513203, ClinGen allele CA2580076056.
Genomic context (GRCh38, chr7:103,486,192, plus strand): 5'-CAATGGACAATCACTGGGCTTGTGACTAATTCTATGTCTGGACTAAAATATGGAGGTTTG[G>A]GTACCTTGCTCGAGTGAGATCCAGAGGCTTGGTAGCTGCTTGCCTGATCTGACAGCCATT-3'